The following is an entry in ClinVar:

ClinVar aggregate classification (germline): Pathogenic. Review status: reviewed by expert panel (3 of 4 stars). 49 submissions from 42 submitters: Pathogenic (1). 48 of the submissions do not count toward it. Last evaluated 2026-04-30.

Conditions:
Hereditary persistence of fetal hemoglobin. Identifiers: MedGen C0019025, MONDO:0020989, OMIM 141749.
METHEMOGLOBINEMIA, BETA TYPE. Also called: Methemoglobinemia, beta-globin type. Identifiers: MedGen C1840779, OMIM 617971.
Malaria, susceptibility to. Identifiers: Orphanet 673, MedGen C1970028, MONDO:0021024, OMIM 611162.
Dominant beta-thalassemia. Also called: Beta-thalassemia, dominant inclusion body type. Identifiers: Orphanet 231226, Orphanet 848, MedGen C1858990, MONDO:0011381, OMIM 603902.
Beta-thalassemia HBB/LCRB. Identifiers: MedGen CN322236, MONDO:0013517, OMIM 613985.
Erythrocytosis, familial, 6. Also called: ERYTHROCYTOSIS, BETA-GLOBIN TYPE; POLYCYTHEMIA, BETA-GLOBIN TYPE. Identifiers: MedGen C4693822, MONDO:0054801, OMIM 617980.
Hb SS disease (SCD). Also called: Hemoglobin SS; Sickle cell anemia; Sickle cell disease; HbS disease; Hemoglobin S Disease; Sickling disorder due to hemoglobin S. Identifiers: Orphanet 232, Orphanet 275752, MedGen C0002895, MONDO:0011382, OMIM 603903.
Heinz body anemia. Also called: Heinz body hemolytic anemia. Identifiers: Orphanet 178330, MedGen C0700299, MONDO:0007705, OMIM 140700, HP:0005511.
Hemoglobin E/beta- thalassemia.
beta Thalassemia (BTHAL). Also called: Cooley's anemia; Erythroblastic anemia; Mediterranean anemia. Identifiers: Orphanet 848, MedGen C0005283, MONDO:0019402. Disease mechanism: loss of function.
alpha Thalassemia. Also called: Alpha thalassemia spectrum. Identifiers: Orphanet 846, MedGen C0002312, MONDO:0011399, OMIM 604131.
Fetal hemoglobin quantitative trait locus 1 (HBFQTL1). Identifiers: Orphanet 251380, MedGen C1841621.
HBB-related disorder. Also called: HBB-related disorders; HBB-related condition. Identifiers: MedGen CN239378.
Inborn genetic diseases. Identifiers: MedGen C0950123, MeSH D030342.
Beta-thalassemia major. Identifiers: Orphanet 231214, MedGen C0002875, MONDO:0016486.
BETA-PLUS-THALASSEMIA. Identifiers: MedGen C3841475.

Allele frequency attached by ClinVar (database versions not stated): gnomAD 0.00025 and 0.00001; ExAC 0.00072; 1000 Genomes Project 30x 0.00141; TOPMed 0.00012; 1000 Genomes Project 0.00120.
gnomAD v4.1: 470 of 1,612,226 alleles (0.029%); highest among the groups gnomAD compares: South Asian, 0.49%; 2 homozygotes.

Submissions 1 to 6 of 49:

ClinGen Hemoglobinopathy Variant Curation Expert Panel, ClinGen
Classification: Pathogenic for Beta-thalassemia HBB/LCRB. Last evaluated: 2026-04-30. Review status: reviewed by expert panel. Criteria: ClinGen Hb Opathy ACMG Specifications HBB V1.0.0. Collection method: curation. Allele origin: germline. Inheritance: Autosomal recessive inheritance.
Comment: The c.92+5G>C variant in HBB is an intronic variant lying in the 5’ splice site consensus sequence. This variant has been reported in 4 unrelated individuals displaying a hematological phenotype consistent with β-thalassemia trait (low MCV (<79 fL), low MCH (<27 pg) and increased HbA2 (>3.5%)), giving a total score of 6 (PS4; PMID: 27690257; 23425159; 26291970; 29651865). This variant was found to co-segregate with beta-thalassemia (e.g., anemia, transfusion requirements and/or hepatosplenomegaly) in 4 affected individuals from different families. There were two unaffected segregations from the same family, giving a LOD score of 2.66 (PP1_S; PMID: 27690257; 2342515926291970; 29651865). This variant has been detected in two homozygous individuals with transfusion-dependent thalassemia, giving a score of 1 (PM3; PMID: 27690257; 23425159). The computational predictor SpliceAI predicts that this variant may affect splicing by disrupting the donor splice site of intron I of HBB (Δ score 0.81; VCEP threshold >0.3) (PP3). Transfection of cell cultures with constructs bearing the cloned mutant gene showed that this variant significantly reduces HBB gene expression (low RNA levels) and impacts splicing by producing both the normal and three abnormally spliced RNA products (PS3_P; PMID: 6188062). The highest population minor allele frequency in gnomAD v4.1 is 0.004481 (442/91042 alleles) in South Asian, exceeding the ClinGen Hemoglobinopathy VCEP BS1 threshold (≥0.001). However, this variant is on the VCEP exclusion list for BA1/BS1; therefore, these criteria were not applied. In summary, this variant meets criteria to be classified as pathogenic for beta-thalassemia HBB/LCRB (MONDO:0013517) in an autosomal recessive manner based on the ACMG/AMP criteria applied, as specified by the ClinGen Hemoglobinopathy VCEP (specification version 1.0.0): PS4, PP1_S, PM3,PP3, PS3_P.

PreventionGenetics, part of Exact Sciences
Classification: Pathogenic for HBB-related condition. Last evaluated: 2026-08-31. Review status: criteria provided, single submitter. Criteria: ACMG Guidelines, 2015. Collection method: clinical testing. Allele origin: germline. Not counted in ClinVar's aggregate classification.
Comment: The HBB c.92+5G>C variant is predicted to interfere with splicing. This variant is predicted to alter splicing based on available splicing prediction programs (Alamut Visual Plus v.1.13; SpliceAI, Jaganathan et al. 2019. PubMed ID: 30661751), and functional studies have shown aberrant splicing (Treisman et al. 1983. PubMed ID: 6188062). This variant has been reported in many affected individuals with beta thalassemia (Treisman et al. 1983. PubMed ID: 6188062; Kazazian et al. 1984. PubMed ID: 6714226; Muhammad et al 2017. PubMed ID: 28635337; Susanto et al. 2019. PubMed ID: 31890591). This variant is reported in 0.47% of alleles in individuals of South Asian descent in gnomAD. This variant is interpreted as pathogenic.

OLLIN Analises Genomicas, OLLIN
Classification: Likely pathogenic for Hereditary persistence of fetal hemoglobin. Last evaluated: 2026-08-06. Review status: criteria provided, single submitter. Criteria: ACMG Guidelines 2015 PMID 25741868. Collection method: clinical testing. Allele origin: germline. Inheritance: Autosomal dominant inheritance. Not counted in ClinVar's aggregate classification.
Comment: This variant, has been reported in ClinVar (accession VCV000015449.111), in gnomAD with an allele frequency of 0.029%, and in the scientific literature in individuals with HBB related disorders (PMID: 6188062, 18294253, 19000664, 22392582, 23162295, 27263053). Functional studies suggest that this variant may affect protein function (PMID: 6188062). According to the currently available evidence, this variant has been classified as likely pathogenic (PS3_P, PS4, PP3).

Victorian Clinical Genetics Services, Murdoch Childrens Research Institute
Classification: Pathogenic for Beta-thalassemia HBB/LCRB. Last evaluated: 2026-05-28. Review status: criteria provided, single submitter. Criteria: ACMG Guidelines, 2015. Collection method: clinical testing. Allele origin: germline. Affected: no. Not counted in ClinVar's aggregate classification.
Comment: This variant is classified as Pathogenic. Evidence in support of pathogenic classification: Splice site variant proven to affect splicing of the transcript with uncertain effect on protein sequence. This variant leads to the use of three cryptic splice sites, resulting in the formation of three abnormally spliced RNAs and a decreased amount of normally spliced RNA (PMID: 6188062); Variant is present in gnomAD <0.01 (v4: 466 heterozygotes, 2 homozygotes); This variant has strong previous evidence of pathogenicity in unrelated individuals. This variant has been reported as pathogenic by multiple clinical laboratories in ClinVar. This variant has also been observed in multiple unrelated homozygous and compound heterozygous individuals with beta-thalassemia, including at least four individuals who are compound heterozygous for this variant and p.(Ser10Valfs*14) (PMID: 27263053). Additional information: This variant is heterozygous; This gene is associated with both recessive and dominant disease (OMIM); Multiple alternative amino acid changes at the same non-canonical splice position have been observed in gnomAD (v4) (highest allele count: 2 heterozygotes, 0 homozygotes); Loss of function is a known mechanism of disease in this gene and is associated with HBB-related hemoglobinopathies, including beta thalassemia (OMIM). Dominant negative is also a suggested mechanism (PMID: 29700171); Variants in this gene are known to have variable expressivity. Variable severity has been reported in sickle cell patients carrying the same variants (PMID: 31788855). In addition, clinical severity of beta-thalassemia patients is also dependent on whether variants in HBB are heterozygous, homozygous or compound heterozygous, and the amount of residual protein that is expressed (PMID: 20301599).

Variantyx, Inc.
Classification: Pathogenic for Beta-thalassemia HBB/LCRB. Last evaluated: 2026-01-21. Review status: criteria provided, single submitter. Criteria: Variantyx Assertion Criteria 2022. Collection method: clinical testing. Allele origin: germline. Inheritance: Autosomal recessive inheritance. Not counted in ClinVar's aggregate classification.
Comment: This is an intronic variant in the HBB gene (OMIM: 141900). Pathogenic variants in this gene have been associated with autosomal recessive beta-thalassemia. Functional studies have shown that this variant, also known as IVS-I-5, reduces splicing efficiency and is expected to result in loss of function, which is a known disease mechanism for HBB in this disorder (PMID: 6188062) (PVS1). This variant has been identified in the homozygous or compound heterozygous state in many individuals reported in the published literature (PMID:27263053, 23234478, 19000664) (PM3). This variant has a 0.4855% maximum allele frequency in non-founder control populations (PM2). Based on the current evidence, this variant is classified as pathogenic for autosomal recessive beta-thalassemia.

Genetics and Genomic Medicine Centre, NeuroGen Healthcare, NeuroGen Healthcare
Classification: Likely pathogenic for Hereditary persistence of fetal hemoglobin. Last evaluated: 2026-01-15. Review status: criteria provided, single submitter. Criteria: ACMG Guidelines, 2015. Collection method: clinical testing. Allele origin: unknown. Affected: yes. Not counted in ClinVar's aggregate classification.

NM_000518.5(HBB):c.92+5G>C

Genes: HBB (hemoglobin subunit beta; minus strand), LOC106099062 (HBB recombination region; plus strand), LOC107133510 (origin of replication at HBB; plus strand). Cytogenetic location: 11p15.4.
Variant type: single nucleotide variant.
Coding change: c.92+5G>C on transcript NM_000518.5 (MANE Select); 5 bases into the intron after coding-DNA position 92, G replaced by C.
Molecular consequence: intron variant.
Genome position (GRCh38, 1-based): chr11:5,226,925, C>G on the plus strand (G>C on the coding strand, the complement: HBB is on the minus strand). VCF-style: chr11-5226925-C-G. GRCh37 (hg19) VCF-style: chr11-5248155-C-G.
Other names: IVS1-5G>C; IVS-1-5G>C; IVS I-5 (G>C); IVS-I-5; IVS1, G-C, +5.
Identifiers: ClinVar variation 15447 (VCV000015447.166), dbSNP rs33915217, ClinGen allele CA125310.